The following is an entry in ClinVar:

ClinVar aggregate classification (germline): Uncertain significance (1 of 4 stars; one submission).

Allele frequency attached by ClinVar (database versions not stated): gnomAD exomes below 0.00001; TOPMed 0.00001.
gnomAD v4.1: 1 of 1,613,808 alleles (0.000062%); highest among the groups gnomAD compares: Admixed American, 0.0017%; no homozygotes.

Submission:

Labcorp Genetics (formerly Invitae), Labcorp
Classification: Uncertain significance. Last evaluated: 2022-02-21. Review status: criteria provided, single submitter. Criteria: Invitae Variant Classification Sherloc (09022015). Collection method: clinical testing. Allele origin: germline.
Comment: This sequence change replaces phenylalanine, which is neutral and non-polar, with leucine, which is neutral and non-polar, at codon 329 of the NR2E3 protein (p.Phe329Leu). This variant is not present in population databases (gnomAD no frequency). This variant has not been reported in the literature in individuals affected with NR2E3-related conditions. In summary, the available evidence is currently insufficient to determine the role of this variant in disease. Therefore, it has been classified as a Variant of Uncertain Significance.

NM_014249.4(NR2E3):c.987C>A (p.Phe329Leu)

Gene: NR2E3 (nuclear receptor subfamily 2 group E member 3; plus strand). Cytogenetic location: 15q23.
Variant type: single nucleotide variant.
Coding change: c.987C>A on transcript NM_014249.4 (MANE Select); coding-DNA position 987, C replaced by A.
Protein change: p.Phe329Leu; replaces phenylalanine 329 with leucine.
Molecular consequence: missense variant.
Genome position (GRCh38, 1-based): chr15:71,813,628, C>A. VCF-style: chr15-71813628-C-A. GRCh37 (hg19) VCF-style: chr15-72105969-C-A.
Other names: c.987C>A, p.Phe329Leu (NM_016346.4); short protein forms F329L.
Identifiers: ClinVar variation 1915890 (VCV001915890.2), dbSNP rs1229458340, ClinGen allele CA393038109.